The following is an entry in ClinVar:

NM_000051.4(ATM):c.6991_6997del (p.Lys2331fs)

Genes: ATM (ATM serine/threonine kinase; plus strand), C11orf65 (chromosome 11 open reading frame 65; minus strand). Cytogenetic location: 11q22.3.
Variant type: Deletion.
Coding change: c.6991_6997del on transcript NM_000051.4 (MANE Select); coding-DNA positions 6991 to 6997, 7 bases deleted (AAACTTA; older notation c.6991_6997delAAACTTA).
Protein change: p.Lys2331fs; shifts the reading frame from lysine 2331.
Molecular consequence: frameshift variant. On other transcripts: intron variant (2).
Genome position (GRCh38, 1-based): chr11:108,327,660-108,327,666, AAACTTA deleted; deleting any 7 consecutive bases within chr11:108,327,658-108,327,666 gives the same sequence; the c. name uses the placement nearest the transcript's 3' end. VCF-style (leftmost placement, unchanged base first): chr11-108327657-CTAAAACT-C. GRCh37 (hg19) VCF-style: chr11-108198384-CTAAAACT-C.
Other names: c.6991_6997del, p.Lys2331fs (NM_001351834.2); c.641-18593_641-18587del (NM_001330368.2); c.*38+7556_*38+7562del (NM_001351110.2); short protein forms K2331fs.
Identifiers: ClinVar variation 3724472 (VCV003724472.2).

ClinVar aggregate classification (germline): Pathogenic (1 of 4 stars; one submission).

Conditions:
Ataxia-telangiectasia syndrome (AT). Also called: Ataxia-telangiectasia, complementation group D; AT, COMPLEMENTATION GROUP C; ATAXIA-TELANGIECTASIA, COMPLEMENTATION GROUP A; ATAXIA-TELANGIECTASIA, FRESNO VARIANT; Ataxia-telangiectasia; Ataxia-telangiectasia, complementation group E. Identifiers: Orphanet 100, MedGen C0004135, MONDO:0008840, OMIM 208900.

Submission:

Labcorp Genetics (formerly Invitae), Labcorp
Classification: Pathogenic for Ataxia-telangiectasia syndrome. Last evaluated: 2024-11-05. Review status: criteria provided, single submitter. Criteria: Invitae Variant Classification Sherloc (09022015). Collection method: clinical testing. Allele origin: germline.
Comment: This sequence change creates a premature translational stop signal (p.Lys2331Hisfs*6) in the ATM gene. It is expected to result in an absent or disrupted protein product. Loss-of-function variants in ATM are known to be pathogenic (PMID: 23807571, 25614872). This variant is not present in population databases (gnomAD no frequency). This variant has not been reported in the literature in individuals affected with ATM-related conditions. For these reasons, this variant has been classified as Pathogenic.

Literature cited by the submitters: PubMed 23807571; PubMed 25614872.